The following is an entry in ClinVar:

ClinVar aggregate classification (germline): Uncertain significance (1 of 4 stars; one submission).

Conditions:
LAMA2-related muscular dystrophy (LAMA2-RD). Also called: Laminin alpha 2-related dystrophy. Identifiers: MedGen C5679788, MONDO:0100228.

Submission:

Myriad Genetics, Inc.
Classification: Uncertain significance for LAMA2-related muscular dystrophy. Last evaluated: 2026-01-30. Review status: criteria provided, single submitter. Criteria: Myriad Autosomal Dominant, Autosomal Recessive and X-Linked Classification Criteria (2023). Collection method: clinical testing. Allele origin: unknown.
Comment: NM_000426.3(LAMA2):c.4860+3_4860+10del8 is an intronic variant classified as a variant of uncertain significance in the context of muscular dystrophy, LAMA2-related. c.4860+3_4860+10del8 has not been observed in cases with relevant disease. Relevant functional assessments of this variant are not available in the literature. c.4860+3_4860+10del8 has not been observed in referenced population frequency databases. In summary, there is insufficient evidence to classify NM_000426.3(LAMA2):c.4860+3_4860+10del8 as pathogenic or benign. Please note: this variant was assessed in the context of healthy population screening.

NM_000426.4(LAMA2):c.4860+3_4860+10del

Gene: LAMA2 (laminin subunit alpha 2; plus strand). Cytogenetic location: 6q22.33.
Variant type: Deletion.
Coding change: c.4860+3_4860+10del on transcript NM_000426.4 (MANE Select); bases 3 to 10 of the intron after coding-DNA position 4860, 8 bases deleted (AGGTTGGT; older notation c.4860+3_4860+10delAGGTTGGT).
Molecular consequence: splice donor variant.
Genome position (GRCh38, 1-based): chr6:129,366,364-129,366,371, AGGTTGGT deleted; deleting any 8 consecutive bases within chr6:129,366,361-129,366,371 gives the same sequence; the c. name uses the placement nearest the transcript's 3' end. VCF-style (leftmost placement, unchanged base first): chr6-129366360-AGGTAGGTT-A. GRCh37 (hg19) VCF-style: chr6-129687505-AGGTAGGTT-A.
Other names: c.4860+3_4860+10del (NM_001079823.2).
Identifiers: ClinVar variation 5004437 (VCV005004437.1).
Genomic context (GRCh38, chr6:129,366,360, plus strand): 5'-GTCCGCTGCCTGCGCCATATAAAATGCTGTATGGTCTTGAAAATATGACTCAGGAGCTAA[AGGTAGGTT>A]GGTGCAGTCACAAGCAAGGGCCAGGGACAAGGTGACAGAAGCTTCACAAGCGGTATTGGC-3'